The following is an entry in ClinVar:

NM_019892.6(INPP5E):c.1803-20C>T

Gene: INPP5E (inositol polyphosphate-5-phosphatase E; minus strand). Cytogenetic location: 9q34.3.
Variant type: single nucleotide variant.
Coding change: c.1803-20C>T on transcript NM_019892.6 (MANE Select); 20 bases into the intron before coding-DNA position 1803, C replaced by T.
Molecular consequence: intron variant.
Genome position (GRCh38, 1-based): chr9:136,429,827, G>A on the plus strand (C>T on the coding strand, the complement: INPP5E is on the minus strand). VCF-style: chr9-136429827-G-A. GRCh37 (hg19) VCF-style: chr9-139324279-G-A.
Other names: c.1800-20C>T (NM_001318502.2).
Identifiers: ClinVar variation 261201 (VCV000261201.14), dbSNP rs190316580, ClinGen allele CA5336649.
Genomic context (GRCh38, chr9:136,429,827, plus strand): 5'-AGTACAGTTCTCTATCAAATTTGCCAGCTGCCAACGGAATGCTGTGGAGGAGGAGGGGGC[G>A]TTAGGAGGGCACCCAGGGCCAGGAGGAGGGGGCGTTAGGAGGGGGCCGGCCCCGGAGGAG-3'

ClinVar aggregate classification (germline): Likely benign. Review status: criteria provided, multiple submitters, no conflicts (2 of 4 stars). 4 submissions from 4 submitters: Likely benign (4). Last evaluated 2026-01-27.

Conditions:
Joubert syndrome. Also called: Familial aplasia of the vermis; JOUBERT-BOLTSHAUSER SYNDROME. Identifiers: Orphanet 475, MedGen C5979921, MONDO:0018772.

Allele frequency attached by ClinVar (database versions not stated): ExAC 0.00033; 1000 Genomes Project 0.00040; gnomAD exomes 0.00040 and 0.00104; ESP Exome Variant Server 0.00046; gnomAD 0.00055 and 0.00057; TOPMed 0.00059; 1000 Genomes Project 30x 0.00031.
gnomAD v4.1: 1,634 of 1,610,946 alleles (0.1%); highest among the groups gnomAD compares: Non-Finnish European, 0.13%; 3 homozygotes.

Submissions (4):

Labcorp Genetics (formerly Invitae), Labcorp
Classification: Likely benign for Joubert syndrome. Last evaluated: 2026-01-27. Review status: criteria provided, single submitter. Criteria: Invitae Variant Classification Sherloc (09022015). Collection method: clinical testing. Allele origin: germline.

Blueprint Genetics
Classification: Likely benign. Last evaluated: 2024-10-25. Review status: criteria provided, single submitter. Criteria: ACMG Guidelines, 2015. Collection method: clinical testing. Allele origin: germline.

GeneDx
Classification: Likely benign. Last evaluated: 2017-08-23. Review status: criteria provided, single submitter. Criteria: GeneDx Variant Classification (06012015). Collection method: clinical testing. Allele origin: germline. Affected: yes.
Comment: This variant is considered likely benign or benign based on one or more of the following criteria: it is a conservative change, it occurs at a poorly conserved position in the protein, it is predicted to be benign by multiple in silico algorithms, and/or has population frequency not consistent with disease.

PreventionGenetics, part of Exact Sciences
Classification: Likely benign. Review status: criteria provided, single submitter. Criteria: ACMG Guidelines, 2015. Collection method: clinical testing. Allele origin: germline.